The following is an entry in ClinVar:

NM_007373.4(SHOC2):c.242C>T (p.Thr81Ile)

Gene: SHOC2 (SHOC2 leucine rich repeat scaffold protein; plus strand). Cytogenetic location: 10q25.2.
Variant type: single nucleotide variant.
Coding change: c.242C>T on transcript NM_007373.4 (MANE Select); coding-DNA position 242, C replaced by T.
Protein change: p.Thr81Ile; replaces threonine 81 with isoleucine.
Molecular consequence: missense variant.
Genome position (GRCh38, 1-based): chr10:110,964,600, C>T. VCF-style: chr10-110964600-C-T. GRCh37 (hg19) VCF-style: chr10-112724358-C-T.
Other names: c.242C>T, p.Thr81Ile (NM_001269039.3, NM_001324336.2, NM_001324337.2); c.242C>T (NM_007373.3); short protein forms T81I.
Identifiers: ClinVar variation 1011324 (VCV001011324.12), dbSNP rs1359743107, ClinGen allele CA378382915.
Genomic context (GRCh38, chr10:110,964,600, plus strand): 5'-AACCAGGGGTGGCATTTTCAGTTGACAATACGATCAAACGGCCAAACCCAGCACCTGGGA[C>T]TAGAAAAAAATCCAGCAATGCAGAGGTGATTAAAGAGCTCAACAAATGCCGGGAAGAGAA-3'
Protein context (NP_031399.2, residues 71-91): TIKRPNPAPG[Thr81Ile]RKKSSNAEVI

ClinVar aggregate classification (germline): Uncertain significance. Review status: criteria provided, multiple submitters, no conflicts (2 of 4 stars). 3 submissions from 3 submitters: Uncertain significance (3). Last evaluated 2025-11-04.

Conditions:
RASopathy. Also called: rasopathies; Noonan spectrum disorder. Identifiers: Orphanet 536391, MedGen C5555857, MONDO:0021060.
Cardiovascular phenotype. Identifiers: MedGen CN230736.

Allele frequency attached by ClinVar (database versions not stated): gnomAD exomes below 0.00001.
gnomAD v4.1: 2 of 1,614,010 alleles (0.00012%); highest among the groups gnomAD compares: Non-Finnish European, 0.000085%; no homozygotes.

Submissions (3):

Ambry Genetics
Classification: Uncertain significance for Cardiovascular phenotype. Last evaluated: 2025-11-04. Review status: criteria provided, single submitter. Criteria: Ambry Variant Classification Scheme 2023. Collection method: clinical testing. Allele origin: germline.
Comment: The p.T81I variant (also known as c.242C>T), located in coding exon 1 of the SHOC2 gene, results from a C to T substitution at nucleotide position 242. The threonine at codon 81 is replaced by isoleucine, an amino acid with similar properties. This amino acid position is conserved. In addition, the in silico prediction for this alteration is inconclusive. Based on the available evidence, the clinical significance of this variant remains unclear.

GeneDx
Classification: Uncertain significance. Last evaluated: 2025-01-15. Review status: criteria provided, single submitter. Criteria: GeneDx Variant Classification Process June 2021. Collection method: clinical testing. Allele origin: germline. Affected: yes.
Comment: Not observed at significant frequency in large population cohorts (gnomAD); In silico analysis indicates that this missense variant does not alter protein structure/function; Has not been previously published as pathogenic or benign to our knowledge

Labcorp Genetics (formerly Invitae), Labcorp
Classification: Uncertain significance for RASopathy. Last evaluated: 2024-10-23. Review status: criteria provided, single submitter. Criteria: Invitae Variant Classification Sherloc (09022015). Collection method: clinical testing. Allele origin: germline.
Comment: This sequence change replaces threonine, which is neutral and polar, with isoleucine, which is neutral and non-polar, at codon 81 of the SHOC2 protein (p.Thr81Ile). This variant is not present in population databases (gnomAD no frequency). This variant has not been reported in the literature in individuals affected with SHOC2-related conditions. ClinVar contains an entry for this variant (Variation ID: 1011324). Invitae Evidence Modeling of protein sequence and biophysical properties (such as structural, functional, and spatial information, amino acid conservation, physicochemical variation, residue mobility, and thermodynamic stability) indicates that this missense variant is not expected to disrupt SHOC2 protein function with a negative predictive value of 80%. In summary, the available evidence is currently insufficient to determine the role of this variant in disease. Therefore, it has been classified as a Variant of Uncertain Significance.